The following continues an entry in ClinVar:

NM_000059.4(BRCA2):c.1138del (p.Ser380fs)

Gene: BRCA2. ClinVar aggregate classification (germline): Pathogenic. Pathogenic (1).

Submissions 11 to 18 of 18:

Dasa
Classification: Pathogenic for BRCA2-related disorder. Last evaluated: 2022-03-05. Review status: criteria provided, single submitter. Criteria: ACMG Guidelines, 2015. Collection method: clinical testing. Allele origin: germline. Affected: yes. Observed: 1 variant allele. Not counted in ClinVar's aggregate classification.
Comment: The c.1138delA;p.(Ser380Valfs*19) is a null frameshift variant (NMD) in the BRCA2 gene and predicts alteration of the nonsense-mediate decay - NMD is present in a relevant exon to the transcript - PVS1. This sequence change has been observed in affected individual(s) and ClinVar contains an entry for this variant (ClinVar ID: 51070; PMID:29907814; PMID: 29161300; PMID: 27741520; PMID: 27425403) - PS4. This variant is not present in population databases (rs80359264- gnomAD; ABraOM no frequency) - PM2. In summary, the currently available evidence indicates that the variant is pathogenic.

Women's Health and Genetics/Laboratory Corporation of America, LabCorp
Classification: Pathogenic for Hereditary breast ovarian cancer syndrome. Last evaluated: 2022-02-04. Review status: criteria provided, single submitter. Criteria: LabCorp Variant Classification Summary - May 2015. Collection method: clinical testing. Allele origin: germline. Not counted in ClinVar's aggregate classification.
Comment: Variant summary: BRCA2 c.1138delA (p.Ser380ValfsX19) results in a premature termination codon, predicted to cause a truncation of the encoded protein or absence of the protein due to nonsense mediated decay, which are commonly known mechanisms for disease. Truncations downstream of this position have been classified as pathogenic by our laboratory. The variant was absent in 250180 control chromosomes (gnomAD). c.1138delA has been reported in the literature in individuals affected with Hereditary Breast And Ovarian Cancer (examples:Kurian_2008 and Alemar_2016) . One expert panel (ENIGMA) and eight clinical diagnostic laboratories have submitted clinical-significance assessments for this variant to ClinVar after 2014 and classified the variant as pathogenic. Based on the evidence outlined above, the variant was classified as pathogenic.

Broad Center for Mendelian Genomics, Broad Institute of MIT and Harvard
Classification: Pathogenic for Breast-ovarian cancer, familial, susceptibility to, 2. Last evaluated: 2020-01-29. Review status: criteria provided, single submitter. Criteria: ACMG Guidelines, 2015. Collection method: curation. Allele origin: germline. Not counted in ClinVar's aggregate classification.
Comment: The p.Ser380Valfs19 variant in BRCA2 has been reported in at least 7 Brazilian individuals with breast or ovarian cancer (PMID: 27741520, 27425403, 29161300, 29907814), and was absent from large population studies. This variant has also been reported pathogenic in ClinVar (Variation ID: 51070). This variant is predicted to cause a frameshift, which alters the protein's amino acid sequence beginning at position 380 and leads to a premature termination codon 19 amino acids downstream. This alteration is then predicted to lead to a truncated or absent protein. Heterozygous loss of function of the BRCA2 gene is an established disease mechanism in hereditary susceptibility to breast and/or ovarian cancer. In summary, this variant meets criteria to be classified as pathogenic for hereditary susceptibility to breast and/or ovarian cancer in an autosomal dominant manner based on the predicted impact of the variant. ACMG/AMP Criteria applied: PVS1, PM2, PS4_Moderate (Richards 2015).

GeneDx
Classification: Pathogenic. Last evaluated: 2019-10-29. Review status: criteria provided, single submitter. Criteria: GeneDx Variant Classification Process June 2021. Collection method: clinical testing. Allele origin: germline. Affected: yes. Not counted in ClinVar's aggregate classification.
Comment: Frameshift variant predicted to result in protein truncation or nonsense mediated decay in a gene for which loss-of-function is a known mechanism of disease; Not observed in large population cohorts (Lek 2016); Truncating variants in this gene are considered pathogenic by a well-established clinical consortium and/or database; Observed in individuals with a personal or family history consistent with pathogenic variants in this gene (Alemar 2016, Fernandes 2016, Cerretini 2019); Also known as 1366delA; This variant is associated with the following publications: (PMID: 27741520, 28087643, 18779604, 28152038, 27425403, 10923033, 31446535, 29907814)

Genomic Medicine Lab, University of California San Francisco
Classification: Pathogenic for Focal-onset seizure. Last evaluated: 2019-01-24. Review status: criteria provided, single submitter. Criteria: ACMG Guidelines, 2015. Collection method: clinical testing. Allele origin: maternal. Inheritance: Autosomal dominant inheritance. Affected: yes. Study: CSER. Not counted in ClinVar's aggregate classification.

Consortium of Investigators of Modifiers of BRCA1/2 (CIMBA), c/o University of Cambridge
Classification: Pathogenic for Breast-ovarian cancer, familial, susceptibility to, 2. Last evaluated: 2015-10-02. Review status: criteria provided, single submitter. Criteria: CIMBA Mutation Classification guidelines May 2016. Collection method: clinical testing. Allele origin: germline. Not counted in ClinVar's aggregate classification.

Sharing Clinical Reports Project (SCRP)
Classification: Pathogenic for Breast-ovarian cancer, familial 2. Last evaluated: 2010-07-12. Review status: no assertion criteria provided. Collection method: clinical testing. Allele origin: germline. Not counted in ClinVar's aggregate classification.

Breast Cancer Information Core (BIC) (BRCA2)
Classification: Pathogenic for Breast-ovarian cancer, familial 2. Last evaluated: 2004-02-20. Review status: no assertion criteria provided. Collection method: clinical testing. Allele origin: germline. Affected: yes. Observed: 2 variant alleles. Not counted in ClinVar's aggregate classification.

Literature cited by the submitters: PubMed 16199546 (cited by Dasa); PubMed 17063271 (cited by Dasa); PubMed 25632310 (cited by Dasa); PubMed 31446535 (cited by 3 submitters); PubMed 35534704 (cited by Quest Diagnostics Nichols Institute San Juan Capistrano); PubMed 35980532 (cited by Quest Diagnostics Nichols Institute San Juan Capistrano); PubMed 18779604 (cited by 5 submitters); PubMed 27425403 (cited by 6 submitters); PubMed 29907814 (cited by 6 submitters); PubMed 29161300 (cited by 5 submitters); PubMed 20104584 (cited by Labcorp Genetics (formerly Invitae), Labcorp); PubMed 27741520 (cited by 5 submitters); PubMed 28087643 (cited by 3 submitters); PubMed 29446198 (cited by Ambry Genetics); PubMed 34287479 (cited by Ambry Genetics); PubMed 10923033 (cited by Broad Center for Mendelian Genomics, Broad Institute of MIT and Harvard).